The following is an entry in ClinVar:

NM_000293.3(PHKB):c.318T>C (p.Asp106=)

Gene: PHKB (phosphorylase kinase regulatory subunit beta; plus strand). Cytogenetic location: 16q12.1.
Variant type: single nucleotide variant.
Coding change: c.318T>C on transcript NM_000293.3 (MANE Select); coding-DNA position 318, T replaced by C.
Protein change: p.Asp106=; no amino-acid change (aspartic acid 106 retained).
Molecular consequence: synonymous variant.
Genome position (GRCh38, 1-based): chr16:47,503,003, T>C. VCF-style: chr16-47503003-T-C. GRCh37 (hg19) VCF-style: chr16-47536914-T-C.
Other names: c.297T>C, p.Asp99= (NM_001031835.3); c.318T>C, p.Asp106= (NM_001363837.1).
Identifiers: ClinVar variation 257178 (VCV000257178.18), dbSNP rs17738933, ClinGen allele CA8040447.

ClinVar aggregate classification (germline): Benign. Review status: criteria provided, multiple submitters, no conflicts (2 of 4 stars). 7 submissions from 7 submitters: Benign (6). 1 of the submissions does not count toward it. Last evaluated 2026-02-04.

Conditions:
Glycogen storage disease IXb (GSD9B). Also called: PHOSPHORYLASE KINASE DEFICIENCY OF LIVER AND MUSCLE, AUTOSOMAL RECESSIVE; GLYCOGENOSIS OF LIVER AND MUSCLE, AUTOSOMAL RECESSIVE; GSD IXb. Identifiers: Orphanet 79240, MedGen C0543514, MONDO:0009868, OMIM 261750.

Allele frequency attached by ClinVar (database versions not stated): 1000 Genomes Project 30x 0.00437; gnomAD 0.01324 and 0.01382; gnomAD exomes 0.01827 and 0.01459; 1000 Genomes Project 0.00479; TOPMed 0.01126; ESP Exome Variant Server 0.01469; ExAC 0.01510.
gnomAD v4.1: 28,419 of 1,611,428 alleles (1.8%); highest among the groups gnomAD compares: Non-Finnish European, 2.1%; 335 homozygotes.

Submissions (7):

Labcorp Genetics (formerly Invitae), Labcorp
Classification: Benign for Glycogen storage disease IXb. Last evaluated: 2026-02-04. Review status: criteria provided, single submitter. Criteria: Invitae Variant Classification Sherloc (09022015). Collection method: clinical testing. Allele origin: germline.

ARUP Laboratories, Molecular Genetics and Genomics, ARUP Laboratories
Classification: Benign for Glycogen storage disease IXb. Last evaluated: 2023-10-09. Review status: criteria provided, single submitter. Criteria: ARUP Molecular Germline Variant Investigation Process 2024. Collection method: clinical testing. Allele origin: germline.

Illumina Laboratory Services, Illumina
Classification: Benign for Glycogen storage disease IXb. Last evaluated: 2018-01-12. Review status: criteria provided, single submitter. Criteria: ICSL Variant Classification Criteria 13 December 2019. Collection method: clinical testing. Allele origin: germline.
Comment: This variant was observed in the ICSL laboratory as part of a predisposition screen in an ostensibly healthy population. It had not been previously curated by ICSL or reported in the Human Gene Mutation Database (HGMD: prior to June 1st, 2018), and was therefore a candidate for classification through an automated scoring system. Utilizing variant allele frequency, disease prevalence and penetrance estimates, and inheritance mode, an automated score was calculated to assess if this variant is too frequent to cause the disease. Based on the score and internal cut-off values, a variant classified as benign is not then subjected to further curation. The score for this variant resulted in a classification of benign for this disease.

GeneDx
Classification: Benign. Last evaluated: 2016-07-27. Review status: criteria provided, single submitter. Criteria: GeneDx Variant Classification (06012015). Collection method: clinical testing. Allele origin: germline. Affected: yes.
Comment: This variant is considered likely benign or benign based on one or more of the following criteria: it is a conservative change, it occurs at a poorly conserved position in the protein, it is predicted to be benign by multiple in silico algorithms, and/or has population frequency not consistent with disease.

Breakthrough Genomics
Classification: Benign. Review status: criteria provided, single submitter. Criteria: ACMG Guidelines, 2015. Collection method: not provided. Allele origin: germline. Inheritance: Autosomal recessive inheritance. Affected: yes.

PreventionGenetics, part of Exact Sciences
Classification: Benign. Review status: criteria provided, single submitter. Criteria: ACMG Guidelines, 2015. Collection method: clinical testing. Allele origin: germline.

Mayo Clinic Laboratories, Mayo Clinic
Classification: Likely benign. Last evaluated: 2017-11-22. Review status: no assertion criteria provided. Collection method: clinical testing. Allele origin: unknown. Not counted in ClinVar's aggregate classification.